The following is an entry in ClinVar:

ClinVar aggregate classification (germline): Benign/Likely benign. Review status: criteria provided, multiple submitters, no conflicts (2 of 4 stars). 11 submissions from 11 submitters: Benign (3); Likely benign (5). 3 of the submissions do not count toward it. Last evaluated 2026-01-20.

Conditions:
SLC52A3-related disorder. Also called: SLC52A3-related condition.
Inborn genetic diseases. Identifiers: MedGen C0950123, MeSH D030342.
Brown-Vialetto-van Laere syndrome 1. Also called: BROWN-VIALETTO-VAN LAERE SYNDROME 1, MILD; BULBAR PALSY, PROGRESSIVE, WITH SENSORINEURAL DEAFNESS; PONTOBULBAR PALSY WITH DEAFNESS. Identifiers: Orphanet 572550, Orphanet 97229, MedGen C0796274, MONDO:0024537, OMIM 211530.

Allele frequency attached by ClinVar (database versions not stated): gnomAD 0.00220; ESP Exome Variant Server 0.00077; TOPMed 0.00074; 1000 Genomes Project 30x 0.00094; ExAC 0.00137; 1000 Genomes Project 0.00100.
gnomAD v4.1: 2,194 of 1,614,036 alleles (0.14%); highest among the groups gnomAD compares: Non-Finnish European, 0.13%; 6 homozygotes.

Submissions (11):

Labcorp Genetics (formerly Invitae), Labcorp
Classification: Benign for Brown-Vialetto-van Laere syndrome 1. Last evaluated: 2026-01-20. Review status: criteria provided, single submitter. Criteria: Invitae Variant Classification Sherloc (09022015). Collection method: clinical testing. Allele origin: germline.

CeGaT Center for Human Genetics Tuebingen
Classification: Likely benign. Last evaluated: 2026-01-01. Review status: criteria provided, single submitter. Criteria: CeGaT Center For Human Genetics Tuebingen Variant Classification Criteria Version 2. Collection method: clinical testing. Allele origin: germline. Affected: yes. Observed: 4 variant alleles.
Comment: SLC52A3: BP4, BP7

Blueprint Genetics
Classification: Likely benign. Last evaluated: 2024-11-25. Review status: criteria provided, single submitter. Criteria: ACMG Guidelines, 2015. Collection method: clinical testing. Allele origin: germline.

Mayo Clinic Laboratories, Mayo Clinic
Classification: Benign. Last evaluated: 2023-12-13. Review status: criteria provided, single submitter. Criteria: ACMG Guidelines, 2015. Collection method: clinical testing. Allele origin: germline. Observed: 5 variant alleles.
Comment: BA1, BS2, BP4, BP7

GeneDx
Classification: Likely benign. Last evaluated: 2020-12-16. Review status: criteria provided, single submitter. Criteria: GeneDx Variant Classification Process June 2021. Collection method: clinical testing. Allele origin: germline. Affected: yes.

Ambry Genetics
Classification: Likely benign for Inborn genetic diseases. Last evaluated: 2019-07-11. Review status: criteria provided, single submitter. Criteria: Ambry Variant Classification Scheme 2023. Collection method: clinical testing. Allele origin: germline.

Laboratory for Molecular Medicine, Mass General Brigham Personalized Medicine
Classification: Benign. Last evaluated: 2017-08-23. Review status: criteria provided, single submitter. Criteria: LMM Criteria. Collection method: clinical testing. Allele origin: germline. Observed: 1 variant allele.
Comment: p.Ser349Ser in exon 3 of SLC52A3: This variant is not expected to have clinical significance because it does not alter an amino acid residue, is not located within the splice consensus sequence, and has been identified in 0.50% (33/6604) of Finnish chromosomes by the Exome Aggregation Consortium (ExAC; dbSNP rs147369439).

Breakthrough Genomics
Classification: Likely benign. Review status: criteria provided, single submitter. Criteria: ACMG Guidelines, 2015. Collection method: not provided. Allele origin: germline. Inheritance: Autosomal recessive inheritance. Affected: yes.

PreventionGenetics, part of Exact Sciences
Classification: Likely benign for SLC52A3-related condition. Last evaluated: 2024-03-30. Review status: no assertion criteria provided. Collection method: clinical testing. Allele origin: germline. Not counted in ClinVar's aggregate classification.
Comment: This variant is classified as likely benign based on ACMG/AMP sequence variant interpretation guidelines (Richards et al. 2015 PMID: 25741868, with internal and published modifications).

Clinical Genetics DNA and cytogenetics Diagnostics Lab, Erasmus MC, Erasmus Medical Center
Classification: Likely benign. Review status: no assertion criteria provided. Collection method: clinical testing. Allele origin: germline. Affected: yes. Study: VKGL Data-share Consensus. Not counted in ClinVar's aggregate classification.

Clinical Genetics, Academic Medical Center
Classification: Benign. Review status: no assertion criteria provided. Collection method: clinical testing. Allele origin: germline. Affected: yes. Study: VKGL Data-share Consensus. Not counted in ClinVar's aggregate classification.

NM_033409.4(SLC52A3):c.1047G>A (p.Ser349=)

Gene: SLC52A3 (solute carrier family 52 member 3; minus strand). Cytogenetic location: 20p13.
Variant type: single nucleotide variant.
Coding change: c.1047G>A on transcript NM_033409.4 (MANE Select); coding-DNA position 1047, G replaced by A.
Protein change: p.Ser349=; no amino-acid change (serine 349 retained).
Molecular consequence: synonymous variant.
Genome position (GRCh38, 1-based): chr20:763,524, C>T on the plus strand (G>A on the coding strand, the complement: SLC52A3 is on the minus strand). VCF-style: chr20-763524-C-T. GRCh37 (hg19) VCF-style: chr20-744168-C-T.
Other names: p.Ser349=; c.1047G>A, p.Ser349= (NM_001370085.1, NM_001370086.1).
Identifiers: ClinVar variation 476598 (VCV000476598.56), dbSNP rs147369439, ClinGen allele CA9724628.